The following is an entry in ClinVar:

ClinVar aggregate classification (germline): Likely benign. Review status: criteria provided, multiple submitters, no conflicts (2 of 4 stars). 4 submissions from 4 submitters: Likely benign (4). Last evaluated 2026-09-01.

Conditions:
Adams-Oliver syndrome 5 (AOS5). Identifiers: Orphanet 974, MedGen C4014970, MONDO:0014459, OMIM 616028.
Familial thoracic aortic aneurysm and aortic dissection (TAAD). Also called: Thoracic aortic aneurysms and dissections. Identifiers: Orphanet 91387, MedGen C4707243, MONDO:0019625.

Allele frequency attached by ClinVar (database versions not stated): gnomAD exomes 0.00001 and 0.00002; TOPMed 0.00004; gnomAD 0.00005 and 0.00006.
gnomAD v4.1: 18 of 1,582,330 alleles (0.0011%); highest among the groups gnomAD compares: African/African-American, 0.008%; no homozygotes.

Submissions (4):

CeGaT Center for Human Genetics Tuebingen
Classification: Likely benign. Last evaluated: 2026-09-01. Review status: criteria provided, single submitter. Criteria: CeGaT Center For Human Genetics Tuebingen Variant Classification Criteria Version 2. Collection method: clinical testing. Allele origin: germline. Affected: yes. Observed: 1 variant allele.
Comment: NOTCH1: BP4, BP7

Labcorp Genetics (formerly Invitae), Labcorp
Classification: Likely benign for Adams-Oliver syndrome 5. Last evaluated: 2025-10-13. Review status: criteria provided, single submitter. Criteria: Invitae Variant Classification Sherloc (09022015). Collection method: clinical testing. Allele origin: germline.

Ambry Genetics
Classification: Likely benign for Familial thoracic aortic aneurysm and aortic dissection. Last evaluated: 2023-10-27. Review status: criteria provided, single submitter. Criteria: Ambry Variant Classification Scheme 2023. Collection method: clinical testing. Allele origin: germline.

Breakthrough Genomics
Classification: Likely benign. Review status: criteria provided, single submitter. Criteria: ACMG Guidelines, 2015. Collection method: not provided. Allele origin: germline. Inheritance: Autosomal dominant inheritance. Affected: yes.

NM_017617.5(NOTCH1):c.4833C>T (p.His1611=)

Gene: NOTCH1 (notch receptor 1; minus strand). Cytogenetic location: 9q34.3.
Variant type: single nucleotide variant.
Coding change: c.4833C>T on transcript NM_017617.5 (MANE Select); coding-DNA position 4833, C replaced by T.
Protein change: p.His1611=; no amino-acid change (histidine 1611 retained).
Molecular consequence: synonymous variant.
Genome position (GRCh38, 1-based): chr9:136,504,858, G>A on the plus strand (C>T on the coding strand, the complement: NOTCH1 is on the minus strand). VCF-style: chr9-136504858-G-A. GRCh37 (hg19) VCF-style: chr9-139399310-G-A.
Other names: c.4833C>T (NM_017617.3).
Identifiers: ClinVar variation 1134096 (VCV001134096.12), dbSNP rs1308437413, ClinGen allele CA467832715.